The following is an entry in ClinVar:

ClinVar aggregate classification (germline): Uncertain significance (1 of 4 stars; one submission).

Submission:

Ambry Genetics
Classification: Uncertain significance. Last evaluated: 2025-07-02. Review status: criteria provided, single submitter. Criteria: Ambry Variant Classification Scheme 2023. Collection method: clinical testing. Allele origin: germline.
Comment: The c.952G>A (p.D318N) alteration is located in exon 10 (coding exon 10) of the ZMYND8 gene. This alteration results from a G to A substitution at nucleotide position 952, causing the aspartic acid (D) at amino acid position 318 to be replaced by an asparagine (N). This variant was not reported in population-based cohorts in the Genome Aggregation Database (gnomAD). This amino acid position is well conserved in available vertebrate species. This missense alteration is located in a region that has a low rate of benign missense variation (Lek, 2016; Firth, 2009). This alteration is predicted to be tolerated by in silico analysis. Based on insufficient or conflicting evidence, the clinical significance of this alteration remains unclear.

NM_001281775.3(ZMYND8):c.952G>A (p.Asp318Asn)

Gene: ZMYND8 (zinc finger MYND-type containing 8; minus strand). Cytogenetic location: 20q13.12.
Variant type: single nucleotide variant.
Coding change: c.952G>A on transcript NM_001281775.3 (MANE Select); coding-DNA position 952, G replaced by A.
Protein change: p.Asp318Asn; replaces aspartic acid 318 with asparagine.
Molecular consequence: missense variant.
Genome position (GRCh38, 1-based): chr20:47,282,148, C>T on the plus strand (G>A on the coding strand, the complement: ZMYND8 is on the minus strand). VCF-style: chr20-47282148-C-T. GRCh37 (hg19) VCF-style: chr20-45910892-C-T.
Other names: c.877G>A, p.Asp293Asn (NM_001281771.3, NM_001281777.3, NM_001281778.3 and 4 more transcripts); c.892G>A, p.Asp298Asn (NM_001281772.3, NM_001281773.3, NM_001281774.3 and 1 more transcripts); c.952G>A, p.Asp318Asn (NM_001281776.3, NM_001281783.3, NM_012408.6 and 1 more transcripts); c.148G>A, p.Asp50Asn (NM_001281779.3, NM_001281780.3); c.973G>A, p.Asp325Asn (NM_001363714.1); short protein forms D293N, D318N, D298N, D50N, D325N.
Identifiers: ClinVar variation 4206291 (VCV004206291.1).
Genomic context (GRCh38, chr20:47,282,148, plus strand): 5'-TTATTAACTCCCACCTGTCATGTTGTCCAAAGAATCGGGCATCGACCTGCCCGTCTTTAT[C>T]CCTTAGAGCTTTTGCAGGCCAGAATGGAAACCCCTTCAGTTTGGCCCAGACCAAAGGATG-3'
Protein context (NP_001268704.1, residues 308-328): FPFWPAKALR[Asp318Asn]KDGQVDARFF